The following is an entry in ClinVar:

NM_005996.4(TBX3):c.2160C>T (p.Ser720=)

Gene: TBX3 (T-box transcription factor 3; minus strand). Cytogenetic location: 12q24.21.
Variant type: single nucleotide variant.
Coding change: c.2160C>T on transcript NM_005996.4 (MANE Select); coding-DNA position 2160, C replaced by T.
Protein change: p.Ser720=; no amino-acid change (serine 720 retained).
Molecular consequence: synonymous variant.
Genome position (GRCh38, 1-based): chr12:114,671,853, G>A on the plus strand (C>T on the coding strand, the complement: TBX3 is on the minus strand). VCF-style: chr12-114671853-G-A. GRCh37 (hg19) VCF-style: chr12-115109658-G-A.
Other names: c.2220C>T (NM_016569.3); c.2220C>T, p.Ser740= (NM_016569.4).
Identifiers: ClinVar variation 2718325 (VCV002718325.5), dbSNP rs781359855, ClinGen allele CA6809770.
Genomic context (GRCh38, chr12:114,671,853, plus strand): 5'-ACGGCAGCCTGAACTGGACTGGAATGAAAAGACGTGTCTGGGACGGGTCTACGGGGACGC[G>A]CTGCGGGACCTGTCCGGCTTGGCTTCCAAGCCGCTAACCAACCGCTGGATGCTCTGCAGT-3'
Protein context (NP_005987.3, residues 710-723): GLEAKPDRSR[Ser720=]ASP

ClinVar aggregate classification (germline): Likely benign. Review status: criteria provided, single submitter (1 of 4 stars). 2 submissions from 2 submitters: Likely benign (1). 1 of the submissions does not count toward it. Last evaluated 2025-10-29.

Conditions:
TBX3-related disorder. Also called: TBX3-related condition.
Ulnar-mammary syndrome (UMS). Also called: SCHINZEL SYNDROME; Ulnar-mammary syndrome of Pallister; PALLISTER ULNAR-MAMMARY SYNDROME. Identifiers: Orphanet 3138, MedGen C1866994, MONDO:0008411, OMIM 181450.

Allele frequency attached by ClinVar (database versions not stated): gnomAD 0.00001; gnomAD exomes 0.00001; TOPMed 0.00002; ExAC 0.00005.
gnomAD v4.1: 15 of 1,556,928 alleles (0.00096%); highest among the groups gnomAD compares: African/African-American, 0.0027%; no homozygotes.

Submissions (2):

Labcorp Genetics (formerly Invitae), Labcorp
Classification: Likely benign for Ulnar-mammary syndrome. Last evaluated: 2025-10-29. Review status: criteria provided, single submitter. Criteria: Invitae Variant Classification Sherloc (09022015). Collection method: clinical testing. Allele origin: germline.

PreventionGenetics, part of Exact Sciences
Classification: Likely benign for TBX3-related condition. Last evaluated: 2022-02-24. Review status: no assertion criteria provided. Collection method: clinical testing. Allele origin: germline. Not counted in ClinVar's aggregate classification.
Comment: This variant is classified as likely benign based on ACMG/AMP sequence variant interpretation guidelines (Richards et al. 2015 PMID: 25741868, with internal and published modifications).